The following is an entry in ClinVar:

ClinVar aggregate classification (germline): Likely benign. Review status: criteria provided, multiple submitters, no conflicts (2 of 4 stars). 2 submissions from 2 submitters: Likely benign (2). Last evaluated 2025-08-20.

Conditions:
TTN-related disorder. Also called: TTN-related disorders; TTN-related condition; TTN-related disease.
Dilated cardiomyopathy 1G (CMD1G). Identifiers: Orphanet 154, MedGen C1858763, MONDO:0011400, OMIM 604145.
Autosomal recessive limb-girdle muscular dystrophy type 2J (LGMDR10). Also called: Limb-girdle muscular dystrophy, type 2J; MUSCULAR DYSTROPHY, LIMB-GIRDLE, AUTOSOMAL RECESSIVE 10. Identifiers: Orphanet 140922, MedGen C1837342, MONDO:0012127, OMIM 608807.

Submissions (2):

PreventionGenetics, part of Exact Sciences
Classification: Likely benign for TTN-related condition. Last evaluated: 2025-08-20. Review status: criteria provided, single submitter. Criteria: ACMG Guidelines, 2015. Collection method: clinical testing. Allele origin: germline.
Comment: This variant is classified as likely benign based on ACMG/AMP sequence variant interpretation guidelines (Richards et al. 2015 PMID: 25741868, with internal and published modifications).

Labcorp Genetics (formerly Invitae), Labcorp
Classification: Likely benign for Dilated cardiomyopathy 1G; Autosomal recessive limb-girdle muscular dystrophy type 2J. Last evaluated: 2024-07-18. Review status: criteria provided, single submitter. Criteria: Invitae Variant Classification Sherloc (09022015). Collection method: clinical testing. Allele origin: germline.

NM_001267550.2(TTN):c.72216C>T (p.Gly24072=)

Genes: TTN (titin; minus strand), TTN-AS1 (TTN antisense RNA 1; plus strand). Cytogenetic location: 2q31.2.
Variant type: single nucleotide variant.
Coding change: c.72216C>T on transcript NM_001267550.2 (MANE Select); coding-DNA position 72216, C replaced by T.
Protein change: p.Gly24072=; no amino-acid change (glycine 24072 retained).
Molecular consequence: synonymous variant.
Genome position (GRCh38, 1-based): chr2:178,573,916, G>A on the plus strand (C>T on the coding strand, the complement: TTN is on the minus strand). VCF-style: chr2-178573916-G-A. GRCh37 (hg19) VCF-style: chr2-179438643-G-A.
Other names: c.67293C>T, p.Gly22431= (NM_001256850.1); c.45021C>T, p.Gly15007= (NM_003319.4); c.64512C>T, p.Gly21504= (NM_133378.4); c.45396C>T, p.Gly15132= (NM_133432.3); c.45597C>T, p.Gly15199= (NM_133437.4).
Identifiers: ClinVar variation 3748797 (VCV003748797.3).